The following is an entry in ClinVar:

ClinVar aggregate classification (germline): Uncertain significance (1 of 4 stars; one submission).

Conditions:
Fabry disease. Also called: Fabry's disease; ALPHA-GALACTOSIDASE A DEFICIENCY; ANDERSON-FABRY DISEASE; CERAMIDE TRIHEXOSIDASE DEFICIENCY; GLA DEFICIENCY; HEREDITARY DYSTOPIC LIPIDOSIS. Identifiers: Orphanet 324, MedGen C0002986, MONDO:0010526, OMIM 301500, HP:0001071. Disease mechanism: Fabry disease is due to inactivating mutations in the X-linked GLA gene resulting in deficiency of the enzyme Alpha Galactosidase-A., loss of function.

Submission:

Labcorp Genetics (formerly Invitae), Labcorp
Classification: Uncertain significance for Fabry disease. Last evaluated: 2021-08-27. Review status: criteria provided, single submitter. Criteria: Invitae Variant Classification Sherloc (09022015). Collection method: clinical testing. Allele origin: germline.
Comment: This variant is not present in population databases (ExAC no frequency). This variant has not been reported in the literature in individuals affected with GLA-related conditions. Algorithms developed to predict the effect of missense changes on protein structure and function (SIFT, PolyPhen-2, Align-GVGD) all suggest that this variant is likely to be tolerated. In summary, the available evidence is currently insufficient to determine the role of this variant in disease. Therefore, it has been classified as a Variant of Uncertain Significance. This sequence change replaces tryptophan with serine at codon 209 of the GLA protein (p.Trp209Ser). The tryptophan residue is weakly conserved and there is a large physicochemical difference between tryptophan and serine.

NM_000169.3(GLA):c.626G>C (p.Trp209Ser)

Genes: GLA (galactosidase alpha; minus strand), RPL36A-HNRNPH2 (RPL36A-HNRNPH2 readthrough; plus strand). Cytogenetic location: Xq22.1.
Variant type: single nucleotide variant.
Coding change: c.626G>C on transcript NM_000169.3 (MANE Select); coding-DNA position 626, G replaced by C.
Protein change: p.Trp209Ser; replaces tryptophan 209 with serine.
Molecular consequence: missense variant. On other transcripts: non-coding transcript variant (2), intron variant (2).
Genome position (GRCh38, 1-based): chrX:101,400,679, C>G on the plus strand (G>C on the coding strand, the complement: GLA is on the minus strand). VCF-style: chrX-101400679-C-G. GRCh37 (hg19) VCF-style: chrX-100655667-C-G.
Other names: c.749G>C, p.Trp250Ser (NM_001406747.1); c.626G>C, p.Trp209Ser (NM_001406748.1); c.300+5222C>G (NM_001199973.2); c.177+8857C>G (NM_001199974.2); short protein forms W209S, W250S.
Identifiers: ClinVar variation 1378123 (VCV001378123.6), dbSNP rs2147475837, ClinGen allele CA413927172.